The following is an entry in ClinVar:

NM_001042413.2(GLIS3):c.*2404A>C

Gene: GLIS3 (GLIS family zinc finger 3; minus strand). Cytogenetic location: 9p24.2.
Variant type: single nucleotide variant.
Coding change: c.*2404A>C on transcript NM_001042413.2 (MANE Select); 2404 bases downstream of the stop codon, A replaced by C.
Molecular consequence: 3 prime UTR variant.
Genome position (GRCh38, 1-based): chr9:3,825,868, T>G on the plus strand (A>C on the coding strand, the complement: GLIS3 is on the minus strand). VCF-style: chr9-3825868-T-G. GRCh37 (hg19) VCF-style: chr9-3825868-T-G.
Other names: c.*2404A>C (NM_152629.4).
Identifiers: ClinVar variation 912733 (VCV000912733.4), dbSNP rs569350667, ClinGen allele CA188255347.

ClinVar aggregate classification (germline): Likely benign (1 of 4 stars; one submission).

Conditions:
Neonatal diabetes mellitus with congenital hypothyroidism. Also called: NDH SYNDROME. Identifiers: Orphanet 79118, MedGen C1857775, MONDO:0012436, OMIM 610199.

Allele frequency attached by ClinVar (database versions not stated): 1000 Genomes Project 30x 0.00078; 1000 Genomes Project 0.00080; TOPMed 0.00174; gnomAD 0.00179 and 0.00183.

Submission:

Illumina Laboratory Services, Illumina
Classification: Likely benign for Neonatal diabetes mellitus with congenital hypothyroidism. Last evaluated: 2018-01-13. Review status: criteria provided, single submitter. Criteria: ICSL Variant Classification Criteria 13 December 2019. Collection method: clinical testing. Allele origin: germline.
Comment: This variant was observed in the ICSL laboratory as part of a predisposition screen in an ostensibly healthy population. It had not been previously curated by ICSL or reported in the Human Gene Mutation Database (HGMD: prior to June 1st, 2018), and was therefore a candidate for classification through an automated scoring system. Utilizing variant allele frequency, disease prevalence and penetrance estimates, and inheritance mode, an automated score was calculated to assess if this variant is too frequent to cause the disease. Based on the score and internal cut-off values, a variant classified as likely benign is not then subjected to further curation. The score for this variant resulted in a classification of likely benign for this disease.